The following continues an entry in ClinVar:

NM_004360.5(CDH1):c.387+1G>A

Gene: CDH1. ClinVar aggregate classification (germline): Uncertain significance. Uncertain significance (1).

Submissions 10 to 12 of 12:

Sema4
Classification: Uncertain significance for Hereditary cancer-predisposing syndrome. Last evaluated: 2021-05-24. Review status: criteria provided, single submitter. Criteria: Sema4 Curation Guidelines. Collection method: curation. Allele origin: germline. Not counted in ClinVar's aggregate classification.
Comment: The CDH1 c.387+1G>A variant has been reported in at least one individual with breast cancer (PMID: 26845104). Functional studies have shown that this variant alters splicing and results in in-frame transcripts of uncertain functional significance (PMID: 31642931). This variant was observed in 4/34560 chromosomes in the Latino population according to the Genome Aggregation Database (PMID: 32461654). This variant has been reported in ClinVar (Variation ID: 141661). Based on the current evidence available, this variant is interpreted as a variant of uncertain significance.

University of Washington Department of Laboratory Medicine, University of Washington
Classification: Uncertain significance for Hereditary cancer-predisposing syndrome. Last evaluated: 2019-06-21. Review status: criteria provided, single submitter. Criteria: Shirts et al. (Genet Med 2016). Collection method: clinical testing. Allele origin: germline. Inheritance: Autosomal dominant inheritance. Affected: yes. Observed: 1 variant allele. Segregation with disease not observed. Not counted in ClinVar's aggregate classification.
Comment: Functional analysis revealed insertion of a portion of intron 3 with deletion of a portion of exon 3, resulting in an in frame protein product which may or may not affect CDH1 protein function (PMID: 27880784). This variant has been identified in two unrelated individuals with breast cancer and one unaffected individual, all of whom have no personal or family history of gastric cancer (internal laboratory data). This variant is present in population databases (gnomAD 0.00159%) and its genomic position is well-conserved across species.

Women's Health and Genetics/Laboratory Corporation of America, LabCorp
Classification: Uncertain significance. Last evaluated: 2017-06-05. Review status: criteria provided, single submitter. Criteria: LabCorp Variant Classification Summary - May 2015. Collection method: clinical testing. Allele origin: germline. Not counted in ClinVar's aggregate classification.
Comment: Variant summary: The CDH1 c.387+1G>A variant involves the alteration of a conserved intronic nucleotide. One in silico tool predicts a damaging outcome for this variant. 5/5 splice prediction tools predict loss of canonical splicing donor site. ESEfinder predict loss of binding motif for SF2/ASF. However, these predictions have yet to be confirmed by peer-reviewed functional studies. Authors speculated both novel transcripts would result in a mature E-cadherin protein (Yelskaya_AMP_2016). This variant was found in 1/119850 control chromosomes in ExAC at a frequency of 0.0000083, which does not exceed the estimated maximal expected allele frequency of a pathogenic CDH1 variant (0.0000283). However, the MAF in Latinos is 0.000088 (1/11424) in ExAC and 0.0001192 (4/33552) in gnomAD. This frequency is about 3-4 times the estimated maximal expected allele frequency of a pathogenic CDH1 variant, suggesting this is possibly a benign polymorphism found primarily in the populations of Latino origin, although the allele numbers in both datasets are very small. This variant has been reported in another unaffected individual with BrC family history by a published report (Lowstuter_2017). In addition, two clinical diagnostic laboratories/reputable databases classified this variant as likely pathogenic and one classified it as VUS, all without evidence for independent evaluation. Taken together, considering lack of clinical and functional evidence, this variant is currently classified as variant of unknown significance.

Literature cited by the submitters: PubMed 26845104 (cited by 5 submitters); PubMed 16199547 (cited by Labcorp Genetics (formerly Invitae), Labcorp); PubMed 15235021 (cited by Labcorp Genetics (formerly Invitae), Labcorp); PubMed 20373070 (cited by Labcorp Genetics (formerly Invitae), Labcorp); PubMed 36436516 (cited by 4 submitters); PubMed 31642931 (cited by 4 submitters); PubMed 20 (cited by Labcorp Genetics (formerly Invitae), Labcorp); PubMed 1525 (cited by Labcorp Genetics (formerly Invitae), Labcorp); PubMed 1578 (cited by Labcorp Genetics (formerly Invitae), Labcorp); PubMed 16 (cited by Labcorp Genetics (formerly Invitae), Labcorp); PubMed 29922827 (cited by Quest Diagnostics Nichols Institute San Juan Capistrano); PubMed 27880784 (cited by University of Washington Department of Laboratory Medicine, University of Washington).